The following is an entry in ClinVar:

NM_017780.4(CHD7):c.6936+6C>T

Gene: CHD7 (chromodomain helicase DNA binding protein 7; plus strand). Cytogenetic location: 8q12.2.
Variant type: single nucleotide variant.
Coding change: c.6936+6C>T on transcript NM_017780.4 (MANE Select); 6 bases into the intron after coding-DNA position 6936, C replaced by T.
Molecular consequence: intron variant.
Genome position (GRCh38, 1-based): chr8:60,854,529, C>T. VCF-style: chr8-60854529-C-T. GRCh37 (hg19) VCF-style: chr8-61767088-C-T.
Other names: c.1717-7700C>T (NM_001316690.1).
Identifiers: ClinVar variation 529130 (VCV000529130.11), dbSNP rs762730711, ClinGen allele CA4760697.
Genomic context (GRCh38, chr8:60,854,529, plus strand): 5'-TTCAGTAGCTCAGCTCCTTCATGAAAGAACATTTGCCTTCTCGTTTTGGCCTAAGGTTGG[C>T]AGGTTTTTGTTGCTGTTGTTTTGCTGACCAAAAAGGATTAGGGTAGAGGAAATCTTTCTA-3'

ClinVar aggregate classification (germline): Uncertain significance. Review status: criteria provided, multiple submitters, no conflicts (2 of 4 stars). 2 submissions from 2 submitters: Uncertain significance (2). Last evaluated 2025-09-09.

Conditions:
Hypogonadotropic hypogonadism 5 with or without anosmia (KAL5). Also called: HYPOGONADOTROPIC HYPOGONADISM 5 WITH ANOSMIA; HYPOGONADOTROPHIC HYPOGONADISM 5 WITHOUT ANOSMIA; CHD7-Related GnRH Deficiency (Kallmann Syndrome 5). Identifiers: Orphanet 478, MedGen C3552553, MONDO:0012880, OMIM 612370. Disease mechanism: loss of function.
CHARGE syndrome (CHARGE). Also called: Hittner Hirsch Kreh syndrome; Coloboma, heart anomaly, choanal atresia, retardation, genital and ear anomalies; CHARGE association; Hall-Hittner syndrome; CHARGE ASSOCIATION--COLOBOMA, HEART ANOMALY, CHOANAL ATRESIA, RETARDATION, GENITAL AND EAR ANOMALIES. Identifiers: Orphanet 138, MedGen C0265354, MONDO:0008965.

Allele frequency attached by ClinVar (database versions not stated): TOPMed below 0.00001; gnomAD 0.00001; ExAC 0.00002; gnomAD exomes 0.00002.
gnomAD v4.1: 43 of 1,581,614 alleles (0.0027%); highest among the groups gnomAD compares: Non-Finnish European, 0.0037%; no homozygotes.

Submissions (2):

Labcorp Genetics (formerly Invitae), Labcorp
Classification: Uncertain significance for CHARGE syndrome. Last evaluated: 2025-09-09. Review status: criteria provided, single submitter. Criteria: Invitae Variant Classification Sherloc (09022015). Collection method: clinical testing. Allele origin: germline.
Comment: This sequence change falls in intron 32 of the CHD7 gene. It does not directly change the encoded amino acid sequence of the CHD7 protein. It affects a nucleotide within the consensus splice site. This variant is present in population databases (rs762730711, gnomAD 0.005%). This variant has not been reported in the literature in individuals affected with CHD7-related conditions. ClinVar contains an entry for this variant (Variation ID: 529130). Variants that disrupt the consensus splice site are a relatively common cause of aberrant splicing (PMID: 17576681, 9536098). Algorithms developed to predict the effect of sequence changes on RNA splicing suggest that this variant is not likely to affect RNA splicing. In summary, the available evidence is currently insufficient to determine the role of this variant in disease. Therefore, it has been classified as a Variant of Uncertain Significance.

Fulgent Genetics
Classification: Uncertain significance for CHD7-related CHARGE syndrome; Hypogonadotropic hypogonadism 5 with or without anosmia. Last evaluated: 2022-01-03. Review status: criteria provided, single submitter. Criteria: ACMG Guidelines, 2015. Collection method: clinical testing. Allele origin: unknown.

Literature cited by the submitters: PubMed 17576681 (cited by Labcorp Genetics (formerly Invitae), Labcorp); PubMed 9536098 (cited by Labcorp Genetics (formerly Invitae), Labcorp).